The following is an entry in ClinVar:

NM_000359.3(TGM1):c.862T>C (p.Trp288Arg)

Gene: TGM1 (transglutaminase 1; minus strand). Cytogenetic location: 14q12.
Variant type: single nucleotide variant.
Coding change: c.862T>C on transcript NM_000359.3 (MANE Select); coding-DNA position 862, T replaced by C.
Protein change: p.Trp288Arg; replaces tryptophan 288 with arginine.
Molecular consequence: missense variant.
Genome position (GRCh38, 1-based): chr14:24,259,954, A>G on the plus strand (T>C on the coding strand, the complement: TGM1 is on the minus strand). VCF-style: chr14-24259954-A-G. GRCh37 (hg19) VCF-style: chr14-24729160-A-G.
Other names: short protein forms W288R.
Identifiers: ClinVar variation 633794 (VCV000633794.2), dbSNP rs1247223599, ClinGen allele CA389269599.

ClinVar aggregate classification (germline): Conflicting classifications of pathogenicity. Review status: criteria provided, conflicting classifications (1 of 4 stars). 2 submissions from 2 submitters: Likely pathogenic (1); Uncertain significance (1). Last evaluated 2026-04-30.

Conditions:
Autosomal recessive congenital ichthyosis 1 (LI1). Also called: ICHTHYOSIS, CONGENITAL, AUTOSOMAL RECESSIVE 1, WITH OR WITHOUT BATHING SUIT DISTRIBUTION; COLLODION FETUS; DESQUAMATION OF NEWBORN; ICHTHYOSIS CONGENITA; ICHTHYOSIS CONGENITA II; LAMELLAR EXFOLIATION OF NEWBORN. Identifiers: MedGen C4551630, MONDO:0009441, OMIM 242300.

Allele frequency attached by ClinVar (database versions not stated): gnomAD exomes below 0.00001.
gnomAD v4.1: 1 of 1,614,118 alleles (0.000062%); highest among the groups gnomAD compares: Non-Finnish European, 0.000085%; no homozygotes.

Submissions (2):

Myriad Genetics, Inc.
Classification: Uncertain significance for Autosomal recessive congenital ichthyosis 1. Last evaluated: 2026-04-30. Review status: criteria provided, single submitter. Criteria: Myriad Autosomal Dominant, Autosomal Recessive and X-Linked Classification Criteria (2023). Collection method: clinical testing. Allele origin: unknown.
Comment: NM_000359.2(TGM1):c.862T>C(W288R) is a missense variant classified as a variant of uncertain significance in the context of TGM1-related autosomal recessive congenital ichthyosis. W288R has been observed in cases with relevant disease (PMID: 30578701, 35412663). Relevant functional assessments of this variant are not available in the literature. W288R has been observed in referenced population frequency databases. In summary, there is insufficient evidence to classify NM_000359.2(TGM1):c.862T>C(W288R) as pathogenic or benign. Please note: this variant was assessed in the context of healthy population screening.

Uitto Lab, Thomas Jefferson University
Classification: Likely pathogenic for Congenita IIs, Ichthyosis. Last evaluated: 2018-06-08. Review status: criteria provided, single submitter. Criteria: ACMG Guidelines, 2015. Collection method: clinical testing. Allele origin: germline. Affected: yes. Study: Rare heritable connective tissue and skin disorders in Iranian cohort.

Literature cited by the submitters: PubMed 30578701 (cited by Myriad Genetics, Inc.); PubMed 35412663 (cited by Myriad Genetics, Inc.).